The following is an entry in ClinVar:

NM_005591.4(MRE11):c.152A>G (p.Glu51Gly)

Gene: MRE11 (MRE11 double strand break repair nuclease; minus strand). Cytogenetic location: 11q21.
Variant type: single nucleotide variant.
Coding change: c.152A>G on transcript NM_005591.4 (MANE Select); coding-DNA position 152, A replaced by G.
Protein change: p.Glu51Gly; replaces glutamic acid 51 with glycine.
Molecular consequence: missense variant.
Genome position (GRCh38, 1-based): chr11:94,490,834, T>C on the plus strand (A>G on the coding strand, the complement: MRE11 is on the minus strand). VCF-style: chr11-94490834-T-C. GRCh37 (hg19) VCF-style: chr11-94224000-T-C.
Other names: c.152A>G, p.Glu51Gly (NM_001330347.2, NM_005590.4); short protein forms E51G.
Identifiers: ClinVar variation 819464 (VCV000819464.13), dbSNP rs1591726479, ClinGen allele CA382380560.

ClinVar aggregate classification (germline): Uncertain significance. Review status: criteria provided, multiple submitters, no conflicts (2 of 4 stars). 2 submissions from 2 submitters: Uncertain significance (2). Last evaluated 2026-02-11.

Conditions:
Hereditary cancer-predisposing syndrome. Also called: Tumor predisposition; Neoplastic Syndromes, Hereditary; Hereditary Cancer Syndrome; Hereditary neoplastic syndrome. Identifiers: Orphanet 140162, MedGen C0027672, MeSH D009386, MONDO:0015356.
Ataxia-telangiectasia-like disorder (ATLD). Identifiers: MedGen C1858391, MONDO:0011457.

Allele frequency attached by ClinVar (database versions not stated): gnomAD exomes below 0.00001.
gnomAD v4.1: 1 of 1,613,672 alleles (0.000062%); highest among the groups gnomAD compares: Non-Finnish European, 0.000085%; no homozygotes.

Submissions (2):

Ambry Genetics
Classification: Uncertain significance for Hereditary cancer-predisposing syndrome. Last evaluated: 2026-02-11. Review status: criteria provided, single submitter. Criteria: Ambry Variant Classification Scheme 2023. Collection method: clinical testing. Allele origin: germline.
Comment: The p.E51G variant (also known as c.152A>G), located in coding exon 2 of the MRE11A gene, results from an A to G substitution at nucleotide position 152. The glutamic acid at codon 51 is replaced by glycine, an amino acid with similar properties. This amino acid position is not well conserved in available vertebrate species. In addition, the in silico prediction for this alteration is inconclusive. Based on the available evidence, the clinical significance of this variant remains unclear.

Labcorp Genetics (formerly Invitae), Labcorp
Classification: Uncertain significance for Ataxia-telangiectasia-like disorder. Last evaluated: 2021-03-06. Review status: criteria provided, single submitter. Criteria: Invitae Variant Classification Sherloc (09022015). Collection method: clinical testing. Allele origin: germline.
Comment: This sequence change replaces glutamic acid with glycine at codon 51 of the MRE11 protein (p.Glu51Gly). The glutamic acid residue is moderately conserved and there is a moderate physicochemical difference between glutamic acid and glycine. This variant is not present in population databases (ExAC no frequency). This variant has not been reported in the literature in individuals with MRE11-related conditions. ClinVar contains an entry for this variant (Variation ID: 819464). Algorithms developed to predict the effect of missense changes on protein structure and function (SIFT, PolyPhen-2, Align-GVGD) all suggest that this variant is likely to be tolerated, but these predictions have not been confirmed by published functional studies and their clinical significance is uncertain. Algorithms developed to predict the effect of sequence changes on RNA splicing suggest that this variant may disrupt the consensus splice site, but this prediction has not been confirmed by published transcriptional studies. In summary, the available evidence is currently insufficient to determine the role of this variant in disease. Therefore, it has been classified as a Variant of Uncertain Significance.